The following is an entry in ClinVar:

NM_001375405.1(CEP120):c.1684A>G (p.Thr562Ala)

Gene: CEP120 (centrosomal protein 120; minus strand). Cytogenetic location: 5q23.2.
Variant type: single nucleotide variant.
Coding change: c.1684A>G on transcript NM_001375405.1 (MANE Select); coding-DNA position 1684, A replaced by G.
Protein change: p.Thr562Ala; replaces threonine 562 with alanine.
Molecular consequence: missense variant. On other transcripts: non-coding transcript variant (1).
Genome position (GRCh38, 1-based): chr5:123,385,030, T>C on the plus strand (A>G on the coding strand, the complement: CEP120 is on the minus strand). VCF-style: chr5-123385030-T-C. GRCh37 (hg19) VCF-style: chr5-122720724-T-C.
Other names: c.1606A>G, p.Thr536Ala (NM_001166226.2); c.1549A>G, p.Thr517Ala (NM_001375406.1); c.1684A>G, p.Thr562Ala (NM_001375407.1, NM_153223.4); c.1111A>G, p.Thr371Ala (NM_001375408.1, NM_001375409.1); short protein forms T562A, T536A, T371A, T517A.
Identifiers: ClinVar variation 577784 (VCV000577784.11), dbSNP rs147277049, ClinGen allele CA3386899.

ClinVar aggregate classification (germline): Conflicting classifications of pathogenicity. Review status: criteria provided, conflicting classifications (1 of 4 stars). 5 submissions from 5 submitters: Uncertain significance (4); Likely benign (1). Last evaluated 2024-09-19.

Conditions:
Short-rib thoracic dysplasia 13 with or without polydactyly (SRTD13). Identifiers: Orphanet 474, MedGen C4225378, MONDO:0014577, OMIM 616300.
Joubert syndrome 31. Identifiers: MedGen C4540355, MONDO:0033310, OMIM 617761.
Inborn genetic diseases. Identifiers: MedGen C0950123, MeSH D030342.

Allele frequency attached by ClinVar (database versions not stated): 1000 Genomes Project 0.00020; ExAC 0.00020; gnomAD 0.00028; TOPMed 0.00030; 1000 Genomes Project 30x 0.00031; gnomAD exomes 0.00034 and 0.00039; ESP Exome Variant Server 0.00054.
gnomAD v4.1: 611 of 1,613,064 alleles (0.038%); highest among the groups gnomAD compares: Admixed American, 0.075%; no homozygotes.

Submissions (5):

Blueprint Genetics
Classification: Likely benign. Last evaluated: 2024-09-19. Review status: criteria provided, single submitter. Criteria: ACMG Guidelines, 2015. Collection method: clinical testing. Allele origin: germline.

GeneDx
Classification: Uncertain significance. Last evaluated: 2024-07-25. Review status: criteria provided, single submitter. Criteria: GeneDx Variant Classification Process June 2021. Collection method: clinical testing. Allele origin: germline. Affected: yes.
Comment: In silico analysis supports that this missense variant does not alter protein structure/function; Has not been previously published as pathogenic or benign to our knowledge

Labcorp Genetics (formerly Invitae), Labcorp
Classification: Uncertain significance for Short-rib thoracic dysplasia 13 with or without polydactyly. Last evaluated: 2024-01-19. Review status: criteria provided, single submitter. Criteria: Invitae Variant Classification Sherloc (09022015). Collection method: clinical testing. Allele origin: germline.
Comment: This sequence change replaces threonine, which is neutral and polar, with alanine, which is neutral and non-polar, at codon 562 of the CEP120 protein (p.Thr562Ala). This variant is present in population databases (rs147277049, gnomAD 0.08%). This variant has not been reported in the literature in individuals affected with CEP120-related conditions. ClinVar contains an entry for this variant (Variation ID: 577784). Advanced modeling of protein sequence and biophysical properties (such as structural, functional, and spatial information, amino acid conservation, physicochemical variation, residue mobility, and thermodynamic stability) performed at Invitae indicates that this missense variant is not expected to disrupt CEP120 protein function with a negative predictive value of 80%. In summary, the available evidence is currently insufficient to determine the role of this variant in disease. Therefore, it has been classified as a Variant of Uncertain Significance.

Clinical Genomics Laboratory, Stanford Medicine
Classification: Uncertain significance for Joubert syndrome 31; Short-rib thoracic dysplasia 13 with or without polydactyly. Last evaluated: 2023-02-28. Review status: criteria provided, single submitter. Criteria: ACMG Guidelines, 2015. Collection method: clinical testing. Allele origin: germline. Observed: 1 variant allele, 1 heterozygote.

Ambry Genetics
Classification: Uncertain significance for Inborn genetic diseases. Last evaluated: 2021-05-13. Review status: criteria provided, single submitter. Criteria: Ambry Variant Classification Scheme 2023. Collection method: clinical testing. Allele origin: germline.